The following is an entry in ClinVar:

NM_001378418.1(TCF20):c.4204G>A (p.Asp1402Asn)

Gene: TCF20 (transcription factor 20; minus strand). Cytogenetic location: 22q13.2.
Variant type: single nucleotide variant.
Coding change: c.4204G>A on transcript NM_001378418.1 (MANE Select); coding-DNA position 4204, G replaced by A.
Protein change: p.Asp1402Asn; replaces aspartic acid 1402 with asparagine.
Molecular consequence: missense variant.
Genome position (GRCh38, 1-based): chr22:42,211,102, C>T on the plus strand (G>A on the coding strand, the complement: TCF20 is on the minus strand). VCF-style: chr22-42211102-C-T. GRCh37 (hg19) VCF-style: chr22-42607108-C-T.
Other names: c.4204G>A, p.Asp1402Asn (NM_005650.4, NM_181492.3); short protein forms D1402N.
Identifiers: ClinVar variation 1800746 (VCV001800746.1), dbSNP rs2518208719, ClinGen allele CA411784829.

ClinVar aggregate classification (germline): Uncertain significance (1 of 4 stars; one submission).

Submission:

GeneDx
Classification: Uncertain significance. Last evaluated: 2022-05-17. Review status: criteria provided, single submitter. Criteria: GeneDx Variant Classification Process June 2021. Collection method: clinical testing. Allele origin: germline. Affected: yes.
Comment: Not observed at significant frequency in large population cohorts (gnomAD); In silico analysis supports that this missense variant does not alter protein structure/function; Has not been previously published as pathogenic or benign to our knowledge